The following is an entry in ClinVar:

ClinVar aggregate classification (germline): Uncertain significance (1 of 4 stars; one submission).

Conditions:
Cardiovascular phenotype. Identifiers: MedGen CN230736.

Submission:

Ambry Genetics
Classification: Uncertain significance for Cardiovascular phenotype. Last evaluated: 2017-10-17. Review status: criteria provided, single submitter. Criteria: Ambry Variant Classification Scheme 2023. Collection method: clinical testing. Allele origin: germline.
Comment: The p.K2800E variant (also known as c.8398A>G), located in coding exon 33 of the AKAP9 gene, results from an A to G substitution at nucleotide position 8398. The lysine at codon 2800 is replaced by glutamic acid, an amino acid with similar properties. This amino acid position is poorly conserved in available vertebrate species. In addition, this alteration is predicted to be tolerated by in silico analysis. Since supporting evidence is limited at this time, the clinical significance of this alteration remains unclear.

NM_005751.5(AKAP9):c.8398A>G (p.Lys2800Glu)

Gene: AKAP9 (A-kinase anchoring protein 9; plus strand). Cytogenetic location: 7q21.2.
Variant type: single nucleotide variant.
Coding change: c.8398A>G on transcript NM_005751.5 (MANE Select); coding-DNA position 8398, A replaced by G.
Protein change: p.Lys2800Glu; replaces lysine 2800 with glutamic acid.
Molecular consequence: missense variant.
Genome position (GRCh38, 1-based): chr7:92,083,407, A>G. VCF-style: chr7-92083407-A-G. GRCh37 (hg19) VCF-style: chr7-91712721-A-G.
Other names: c.3043A>G, p.Lys1015Glu (NM_001379277.1); c.8374A>G, p.Lys2792Glu (NM_147185.3); short protein forms K2800E, K2792E, K1015E.
Identifiers: ClinVar variation 519521 (VCV000519521.5), dbSNP rs1554454272, ClinGen allele CA368138785.